The following is an entry in ClinVar:

ClinVar aggregate classification (germline): Uncertain significance (1 of 4 stars; one submission).

Allele frequency attached by ClinVar (database versions not stated): gnomAD exomes 0.00001 and 0.00003; TOPMed 0.00001; ESP Exome Variant Server 0.00008.
gnomAD v4.1: 41 of 1,613,046 alleles (0.0025%); highest among the groups gnomAD compares: Non-Finnish European, 0.0034%; no homozygotes.

Submission:

GeneDx
Classification: Uncertain significance. Last evaluated: 2022-01-11. Review status: criteria provided, single submitter. Criteria: GeneDx Variant Classification Process June 2021. Collection method: clinical testing. Allele origin: germline. Affected: yes.
Comment: Not observed at significant frequency in large population cohorts (gnomAD); In silico analysis supports that this missense variant has a deleterious effect on protein structure/function; Has not been previously published as pathogenic or benign to our knowledge

NM_153704.6(TMEM67):c.2480A>G (p.Asp827Gly)

Gene: TMEM67 (transmembrane protein 67; plus strand). Cytogenetic location: 8q22.1.
Variant type: single nucleotide variant.
Coding change: c.2480A>G on transcript NM_153704.6 (MANE Select); coding-DNA position 2480, A replaced by G.
Protein change: p.Asp827Gly; replaces aspartic acid 827 with glycine.
Molecular consequence: missense variant. On other transcripts: non-coding transcript variant (1).
Genome position (GRCh38, 1-based): chr8:93,808,880, A>G. VCF-style: chr8-93808880-A-G. GRCh37 (hg19) VCF-style: chr8-94821108-A-G.
Other names: c.2237A>G, p.Asp746Gly (NM_001142301.1); short protein forms D746G, D827G.
Identifiers: ClinVar variation 1695719 (VCV001695719.2), dbSNP rs139798663, ClinGen allele CA181345789.